The following is an entry in ClinVar:

ClinVar aggregate classification (germline): Likely benign (1 of 4 stars; one submission).

Allele frequency attached by ClinVar (database versions not stated): ExAC 0.00001; gnomAD 0.00003; gnomAD exomes 0.00003; TOPMed 0.00004.
gnomAD v4.1: 46 of 1,613,776 alleles (0.0029%); highest among the groups gnomAD compares: Non-Finnish European, 0.0033%; no homozygotes.

Submission:

CeGaT Center for Human Genetics Tuebingen
Classification: Likely benign. Last evaluated: 2022-06-01. Review status: criteria provided, single submitter. Criteria: CeGaT Center For Human Genetics Tuebingen Variant Classification Criteria Version 2. Collection method: clinical testing. Allele origin: germline. Affected: yes. Observed: 1 variant allele.
Comment: TRIP12: PP2, BS2

NM_001348323.3(TRIP12):c.3532C>T (p.Arg1178Cys)

Gene: TRIP12 (thyroid hormone receptor interactor 12; minus strand). Cytogenetic location: 2q36.3.
Variant type: single nucleotide variant.
Coding change: c.3532C>T on transcript NM_001348323.3 (MANE Select); coding-DNA position 3532, C replaced by T.
Protein change: p.Arg1178Cys; replaces arginine 1178 with cysteine.
Molecular consequence: missense variant.
Genome position (GRCh38, 1-based): chr2:229,797,782, G>A on the plus strand (C>T on the coding strand, the complement: TRIP12 is on the minus strand). VCF-style: chr2-229797782-G-A. GRCh37 (hg19) VCF-style: chr2-230662498-G-A.
Other names: c.3406C>T, p.Arg1136Cys (NM_001348317.1, NM_001348318.2, NM_001284215.2 and 1 more transcripts); c.3532C>T, p.Arg1178Cys (NM_001348319.1, NM_001348320.2, NM_001348322.1 and 4 more transcripts); c.3535C>T, p.Arg1179Cys (NM_001348321.1, NM_001348328.1, NM_001348329.2 and 1 more transcripts); c.3451C>T, p.Arg1151Cys (NM_001284214.2, NM_001348315.2); c.2497C>T, p.Arg833Cys (NM_001284216.2); c.3325C>T, p.Arg1109Cys (NM_001348331.1); c.3445C>T, p.Arg1149Cys (NM_001348332.1); c.3454C>T, p.Arg1152Cys (NM_001348333.1); and 1 more; short protein forms R1103C, R1109C, R1136C, R1149C, R1151C, R1152C, R1178C, R1179C.
Identifiers: ClinVar variation 2651982 (VCV002651982.24), dbSNP rs748375337, ClinGen allele CA2152736.